The following is an entry in ClinVar:

NM_002769.5(PRSS1):c.343T>A (p.Ser115Thr)

Genes: PRSS1 (serine protease 1; plus strand), TRB (T cell receptor beta locus; plus strand). Cytogenetic location: 7q34.
Variant type: single nucleotide variant.
Coding change: c.343T>A on transcript NM_002769.5 (MANE Select); coding-DNA position 343, T replaced by A.
Protein change: p.Ser115Thr; replaces serine 115 with threonine.
Molecular consequence: missense variant.
Genome position (GRCh38, 1-based): chr7:142,751,916, T>A. VCF-style: chr7-142751916-T-A. GRCh37 (hg19) VCF-style: chr7-142459767-T-A.
Other names: short protein forms S115T.
Identifiers: ClinVar variation 161985 (VCV000161985.2), dbSNP rs606231344, ClinGen allele CA273017.
Genomic context (GRCh38, chr7:142,751,916, plus strand): 5'-CGCCACCCCCAATACGACAGGAAGACTCTGAACAATGACATCATGTTAATCAAGCTCTCC[T>A]CACGTGCAGTAATCAACGCCCGCGTGTCCACCATCTCTCTGCCCACCGCCCCTCCAGCCA-3'
Protein context (NP_002760.1, residues 105-125): NNDIMLIKLS[Ser115Thr]RAVINARVST

ClinVar aggregate classification (germline): Likely benign (0 of 4 stars; one submission).

Conditions:
Hereditary pancreatitis (PCTT). Also called: Hereditary chronic pancreatitis; PRSS1-Related Hereditary Pancreatitis. Identifiers: Orphanet 676, MedGen C0238339, MONDO:0008185, OMIM 167800.

Allele frequency attached by ClinVar (database versions not stated): ExAC 0.00004; gnomAD 0.00049.

Submission:

Forschungslabor Klinik Innere Medizin A University Medicine Greifswald
Classification: Likely benign for Hereditary pancreatitis. Review status: no assertion criteria provided. Collection method: not provided. Allele origin: inherited.
Comment: Result of a ~70bp gene conversion between PRSS1 and PRSS3P2, giving rise to a triple mutant cationic Trypsinogen (p.S115T/p.R116P/p.R122H). No phenotype difference was identified between wild type and the single p.S115T mutant cationic Trypsinogen
ClinVar note: Converted during submission from probable-non-pathogenic to Likely benign.